The following is an entry in ClinVar:

NM_000038.6(APC):c.6035T>C (p.Phe2012Ser)

Gene: APC (APC regulator of Wnt signaling pathway; plus strand). Cytogenetic location: 5q22.2.
Variant type: single nucleotide variant.
Coding change: c.6035T>C on transcript NM_000038.6 (MANE Select); coding-DNA position 6035, T replaced by C.
Protein change: p.Phe2012Ser; replaces phenylalanine 2012 with serine.
Molecular consequence: missense variant. On other transcripts: non-coding transcript variant (2).
Genome position (GRCh38, 1-based): chr5:112,841,629, T>C. VCF-style: chr5-112841629-T-C. GRCh37 (hg19) VCF-style: chr5-112177326-T-C.
Other names: c.6035T>C, p.Phe2012Ser (NM_001127510.3, NM_001354895.2, NM_001407450.1); c.5981T>C, p.Phe1994Ser (NM_001127511.3); c.6089T>C, p.Phe2030Ser (NM_001354896.2, NM_001407447.1, NM_001407448.1 and 1 more transcripts); c.6065T>C, p.Phe2022Ser (NM_001354897.2); c.5960T>C, p.Phe1987Ser (NM_001354898.2); c.5951T>C, p.Phe1984Ser (NM_001354899.2); c.5912T>C, p.Phe1971Ser (NM_001354900.2); c.5858T>C, p.Phe1953Ser (NM_001354901.2, NM_001407453.1); and 11 more; short protein forms F1852S, F1883S, F1953S, F1971S, F1984S, F2012S, F1628S, F1987S.
Identifiers: ClinVar variation 4590410 (VCV004590410.1).

ClinVar aggregate classification (germline): Uncertain significance (1 of 4 stars; one submission).

Conditions:
Hereditary cancer-predisposing syndrome. Also called: Neoplastic Syndromes, Hereditary; Tumor predisposition; Hereditary Cancer Syndrome; Hereditary neoplastic syndrome. Identifiers: Orphanet 140162, MedGen C0027672, MeSH D009386, MONDO:0015356.

Submission:

Ambry Genetics
Classification: Uncertain significance for Hereditary cancer-predisposing syndrome. Last evaluated: 2025-11-15. Review status: criteria provided, single submitter. Criteria: Ambry Variant Classification Scheme 2023. Collection method: clinical testing. Allele origin: germline.
Comment: The p.F2012S variant (also known as c.6035T>C), located in coding exon 15 of the APC gene, results from a T to C substitution at nucleotide position 6035. The phenylalanine at codon 2012 is replaced by serine, an amino acid with highly dissimilar properties. This amino acid position is conserved. In addition, in silico predictors for this gene do not accurately predict pathogenicity. Based on the available evidence, the clinical significance of this variant remains unclear.